The following is an entry in ClinVar:

ClinVar aggregate classification (germline): Uncertain significance (1 of 4 stars; one submission).

Submission:

Labcorp Genetics (formerly Invitae), Labcorp
Classification: Uncertain significance. Last evaluated: 2025-06-14. Review status: criteria provided, single submitter. Criteria: Invitae Variant Classification Sherloc (09022015). Collection method: clinical testing. Allele origin: germline.
Comment: This sequence change replaces arginine, which is basic and polar, with cysteine, which is neutral and slightly polar, at codon 861 of the MCM4 protein (p.Arg861Cys). This variant is present in population databases (rs375720200, gnomAD 0.04%). This variant has not been reported in the literature in individuals affected with MCM4-related conditions. An algorithm developed to predict the effect of missense changes on protein structure and function (PolyPhen-2) suggests that this variant is likely to be disruptive. In summary, the available evidence is currently insufficient to determine the role of this variant in disease. Therefore, it has been classified as a Variant of Uncertain Significance.

NM_182746.3(MCM4):c.2581C>T (p.Arg861Cys)

Gene: MCM4 (minichromosome maintenance complex component 4; plus strand). Cytogenetic location: 8q11.21.
Variant type: single nucleotide variant.
Coding change: c.2581C>T on transcript NM_182746.3 (MANE Select); coding-DNA position 2581, C replaced by T.
Protein change: p.Arg861Cys; replaces arginine 861 with cysteine.
Molecular consequence: missense variant.
Genome position (GRCh38, 1-based): chr8:47,976,767, C>T. VCF-style: chr8-47976767-C-T. GRCh37 (hg19) VCF-style: chr8-48889327-C-T.
Other names: c.2581C>T, p.Arg861Cys (NM_005914.4); short protein forms R861C.
Identifiers: ClinVar variation 4706178 (VCV004706178.1).